The following is an entry in ClinVar:

NM_000038.6(APC):c.6633C>G (p.Gly2211=)

Gene: APC (APC regulator of Wnt signaling pathway; plus strand). Cytogenetic location: 5q22.2.
Variant type: single nucleotide variant.
Coding change: c.6633C>G on transcript NM_000038.6 (MANE Select); coding-DNA position 6633, C replaced by G.
Protein change: p.Gly2211=; no amino-acid change (glycine 2211 retained).
Molecular consequence: synonymous variant. On other transcripts: non-coding transcript variant (2).
Genome position (GRCh38, 1-based): chr5:112,842,227, C>G. VCF-style: chr5-112842227-C-G. GRCh37 (hg19) VCF-style: chr5-112177924-C-G.
Other names: c.6633C>G, p.Gly2211= (NM_001127510.3, NM_001354895.2, NM_001407450.1); c.6579C>G, p.Gly2193= (NM_001127511.3); c.6687C>G, p.Gly2229= (NM_001354896.2, NM_001407447.1, NM_001407448.1 and 1 more transcripts); c.6663C>G, p.Gly2221= (NM_001354897.2); c.6558C>G, p.Gly2186= (NM_001354898.2); c.6549C>G, p.Gly2183= (NM_001354899.2); c.6510C>G, p.Gly2170= (NM_001354900.2); c.6456C>G, p.Gly2152= (NM_001354901.2, NM_001407453.1); and 12 more.
Identifiers: ClinVar variation 1941173 (VCV001941173.7), dbSNP rs2149969403, ClinGen allele CA446209868.
Genomic context (GRCh38, chr5:112,842,227, plus strand): 5'-AAAAAAAGTTTATAAAAGTTTGATTACTGGAAAAGTTCGATCTAATTCAGAAATTTCAGG[C>G]CAAATGAAACAGCCCCTTCAAGCAAACATGCCTTCAATCTCTCGAGGCAGGACAATGATT-3'
Protein context (NP_000029.2, residues 2201-2221): GKVRSNSEIS[Gly2211=]QMKQPLQANM

ClinVar aggregate classification (germline): Benign/Likely benign. Review status: criteria provided, multiple submitters, no conflicts (2 of 4 stars). 3 submissions from 3 submitters: Benign (1); Likely benign (2). Last evaluated 2025-11-12.

Conditions:
Hereditary cancer-predisposing syndrome. Also called: Tumor predisposition; Hereditary neoplastic syndrome; Neoplastic Syndromes, Hereditary; Hereditary Cancer Syndrome. Identifiers: Orphanet 140162, MedGen C0027672, MeSH D009386, MONDO:0015356.
Familial adenomatous polyposis 1 (FAP1). Also called: FAMILIAL ADENOMATOUS POLYPOSIS 1, ATTENUATED; POLYPOSIS, ADENOMATOUS INTESTINAL. Identifiers: MedGen C2713442, MONDO:0021056, OMIM 175100. Disease mechanism: loss of function.

Submissions (3):

Ambry Genetics
Classification: Likely benign for Hereditary cancer-predisposing syndrome. Last evaluated: 2025-11-12. Review status: criteria provided, single submitter. Criteria: Ambry Variant Classification Scheme 2023. Collection method: clinical testing. Allele origin: germline.

Myriad Genetics, Inc.
Classification: Benign for Familial adenomatous polyposis 1. Last evaluated: 2024-04-05. Review status: criteria provided, single submitter. Criteria: Myriad Autosomal Dominant, Autosomal Recessive and X-Linked Classification Criteria (2023). Collection method: clinical testing. Allele origin: unknown.
Comment: This variant is considered benign. This variant is a silent/synonymous amino acid change and it is not expected to impact splicing.

Labcorp Genetics (formerly Invitae), Labcorp
Classification: Likely benign for Familial adenomatous polyposis 1. Last evaluated: 2023-05-10. Review status: criteria provided, single submitter. Criteria: Invitae Variant Classification Sherloc (09022015). Collection method: clinical testing. Allele origin: germline.